The following continues an entry in ClinVar:

NM_018051.5(DYNC2I1):c.490G>A (p.Val164Ile)

Gene: DYNC2I1. ClinVar aggregate classification (germline): Benign. Benign (4).

Submissions 69 to 104 of 104:

Dr. Peter K. Rogan Lab, Western University
No classification provided (evidence only). Condition: Chronic lymphocytic leukemia/small lymphocytic lymphoma. Review status: no classification provided. Collection method: in vitro. Allele origin: not applicable. Functional consequence: retained intron. Not counted in ClinVar's aggregate classification.

Dr. Peter K. Rogan Lab, Western University
No classification provided (evidence only). Condition: Chronic lymphocytic leukemia/small lymphocytic lymphoma. Review status: no classification provided. Collection method: in vitro. Allele origin: not applicable. Functional consequence: retained intron. Not counted in ClinVar's aggregate classification.

Dr. Peter K. Rogan Lab, Western University
No classification provided (evidence only). Condition: Chronic lymphocytic leukemia/small lymphocytic lymphoma. Review status: no classification provided. Collection method: in vitro. Allele origin: not applicable. Functional consequence: retained intron. Not counted in ClinVar's aggregate classification.

Dr. Peter K. Rogan Lab, Western University
No classification provided (evidence only). Condition: Chronic lymphocytic leukemia/small lymphocytic lymphoma. Review status: no classification provided. Collection method: in vitro. Allele origin: not applicable. Functional consequence: retained intron. Not counted in ClinVar's aggregate classification.

Dr. Peter K. Rogan Lab, Western University
No classification provided (evidence only). Condition: Nonpapillary renal cell carcinoma. Review status: no classification provided. Collection method: in vitro. Allele origin: not applicable. Functional consequence: retained intron. Not counted in ClinVar's aggregate classification.

Dr. Peter K. Rogan Lab, Western University
No classification provided (evidence only). Condition: Nonpapillary renal cell carcinoma. Review status: no classification provided. Collection method: in vitro. Allele origin: not applicable. Functional consequence: retained intron. Not counted in ClinVar's aggregate classification.

Dr. Peter K. Rogan Lab, Western University
No classification provided (evidence only). Condition: Nonpapillary renal cell carcinoma. Review status: no classification provided. Collection method: in vitro. Allele origin: not applicable. Functional consequence: retained intron. Not counted in ClinVar's aggregate classification.

Dr. Peter K. Rogan Lab, Western University
No classification provided (evidence only). Condition: Nonpapillary renal cell carcinoma. Review status: no classification provided. Collection method: in vitro. Allele origin: not applicable. Functional consequence: retained intron. Not counted in ClinVar's aggregate classification.

Dr. Peter K. Rogan Lab, Western University
No classification provided (evidence only). Condition: Nonpapillary renal cell carcinoma. Review status: no classification provided. Collection method: in vitro. Allele origin: not applicable. Functional consequence: retained intron. Not counted in ClinVar's aggregate classification.

Dr. Peter K. Rogan Lab, Western University
No classification provided (evidence only). Condition: Nonpapillary renal cell carcinoma. Review status: no classification provided. Collection method: in vitro. Allele origin: not applicable. Functional consequence: retained intron. Not counted in ClinVar's aggregate classification.

Dr. Peter K. Rogan Lab, Western University
No classification provided (evidence only). Condition: Nonpapillary renal cell carcinoma. Review status: no classification provided. Collection method: in vitro. Allele origin: not applicable. Functional consequence: retained intron. Not counted in ClinVar's aggregate classification.

Dr. Peter K. Rogan Lab, Western University
No classification provided (evidence only). Condition: Familial pancreatic carcinoma. Review status: no classification provided. Collection method: in vitro. Allele origin: not applicable. Functional consequence: retained intron. Not counted in ClinVar's aggregate classification.

Dr. Peter K. Rogan Lab, Western University
No classification provided (evidence only). Condition: Familial pancreatic carcinoma. Review status: no classification provided. Collection method: in vitro. Allele origin: not applicable. Functional consequence: retained intron. Not counted in ClinVar's aggregate classification.

Dr. Peter K. Rogan Lab, Western University
No classification provided (evidence only). Condition: Familial pancreatic carcinoma. Review status: no classification provided. Collection method: in vitro. Allele origin: not applicable. Functional consequence: retained intron. Not counted in ClinVar's aggregate classification.

Dr. Peter K. Rogan Lab, Western University
No classification provided (evidence only). Condition: Familial pancreatic carcinoma. Review status: no classification provided. Collection method: in vitro. Allele origin: not applicable. Functional consequence: retained intron. Not counted in ClinVar's aggregate classification.

Dr. Peter K. Rogan Lab, Western University
No classification provided (evidence only). Condition: Familial pancreatic carcinoma. Review status: no classification provided. Collection method: in vitro. Allele origin: not applicable. Functional consequence: retained intron. Not counted in ClinVar's aggregate classification.

Dr. Peter K. Rogan Lab, Western University
No classification provided (evidence only). Condition: Familial pancreatic carcinoma. Review status: no classification provided. Collection method: in vitro. Allele origin: not applicable. Functional consequence: retained intron. Not counted in ClinVar's aggregate classification.

Dr. Peter K. Rogan Lab, Western University
No classification provided (evidence only). Condition: Hepatocellular carcinoma. Review status: no classification provided. Collection method: in vitro. Allele origin: not applicable. Functional consequence: retained intron. Not counted in ClinVar's aggregate classification.

Dr. Peter K. Rogan Lab, Western University
No classification provided (evidence only). Condition: Hepatocellular carcinoma. Review status: no classification provided. Collection method: in vitro. Allele origin: not applicable. Functional consequence: retained intron. Not counted in ClinVar's aggregate classification.

Dr. Peter K. Rogan Lab, Western University
No classification provided (evidence only). Condition: Lymphoma. Review status: no classification provided. Collection method: in vitro. Allele origin: not applicable. Functional consequence: retained intron. Not counted in ClinVar's aggregate classification.

Dr. Peter K. Rogan Lab, Western University
No classification provided (evidence only). Condition: Lymphoma. Review status: no classification provided. Collection method: in vitro. Allele origin: not applicable. Functional consequence: retained intron. Not counted in ClinVar's aggregate classification.

Dr. Peter K. Rogan Lab, Western University
No classification provided (evidence only). Condition: Lymphoma. Review status: no classification provided. Collection method: in vitro. Allele origin: not applicable. Functional consequence: retained intron. Not counted in ClinVar's aggregate classification.

Dr. Peter K. Rogan Lab, Western University
No classification provided (evidence only). Condition: Lymphoma. Review status: no classification provided. Collection method: in vitro. Allele origin: not applicable. Functional consequence: retained intron. Not counted in ClinVar's aggregate classification.

Dr. Peter K. Rogan Lab, Western University
No classification provided (evidence only). Condition: Lymphoma. Review status: no classification provided. Collection method: in vitro. Allele origin: not applicable. Functional consequence: retained intron. Not counted in ClinVar's aggregate classification.

Dr. Peter K. Rogan Lab, Western University
No classification provided (evidence only). Condition: Lymphoma. Review status: no classification provided. Collection method: in vitro. Allele origin: not applicable. Functional consequence: retained intron. Not counted in ClinVar's aggregate classification.

Dr. Peter K. Rogan Lab, Western University
No classification provided (evidence only). Condition: Lymphoma. Review status: no classification provided. Collection method: in vitro. Allele origin: not applicable. Functional consequence: retained intron. Not counted in ClinVar's aggregate classification.

Dr. Peter K. Rogan Lab, Western University
No classification provided (evidence only). Condition: Lymphoma. Review status: no classification provided. Collection method: in vitro. Allele origin: not applicable. Functional consequence: retained intron. Not counted in ClinVar's aggregate classification.

Dr. Peter K. Rogan Lab, Western University
No classification provided (evidence only). Condition: Lymphoma. Review status: no classification provided. Collection method: in vitro. Allele origin: not applicable. Functional consequence: retained intron. Not counted in ClinVar's aggregate classification.

Dr. Peter K. Rogan Lab, Western University
No classification provided (evidence only). Condition: Lymphoma. Review status: no classification provided. Collection method: in vitro. Allele origin: not applicable. Functional consequence: retained intron. Not counted in ClinVar's aggregate classification.

Dr. Peter K. Rogan Lab, Western University
No classification provided (evidence only). Condition: Lymphoma. Review status: no classification provided. Collection method: in vitro. Allele origin: not applicable. Functional consequence: retained intron. Not counted in ClinVar's aggregate classification.

Dr. Peter K. Rogan Lab, Western University
No classification provided (evidence only). Condition: Lymphoma. Review status: no classification provided. Collection method: in vitro. Allele origin: not applicable. Functional consequence: retained intron. Not counted in ClinVar's aggregate classification.

Dr. Peter K. Rogan Lab, Western University
No classification provided (evidence only). Condition: Ovarian cancer. Review status: no classification provided. Collection method: in vitro. Allele origin: not applicable. Functional consequence: retained intron. Not counted in ClinVar's aggregate classification.

Dr. Peter K. Rogan Lab, Western University
No classification provided (evidence only). Condition: Ovarian cancer. Review status: no classification provided. Collection method: in vitro. Allele origin: not applicable. Functional consequence: retained intron. Not counted in ClinVar's aggregate classification.

Dr. Peter K. Rogan Lab, Western University
No classification provided (evidence only). Condition: Ovarian cancer. Review status: no classification provided. Collection method: in vitro. Allele origin: not applicable. Functional consequence: retained intron. Not counted in ClinVar's aggregate classification.

Dr. Peter K. Rogan Lab, Western University
No classification provided (evidence only). Condition: Ovarian cancer. Review status: no classification provided. Collection method: in vitro. Allele origin: not applicable. Functional consequence: retained intron. Not counted in ClinVar's aggregate classification.

Dr. Peter K. Rogan Lab, Western University
No classification provided (evidence only). Condition: Ovarian cancer. Review status: no classification provided. Collection method: in vitro. Allele origin: not applicable. Functional consequence: retained intron. Not counted in ClinVar's aggregate classification.